The following is an entry in ClinVar:

ClinVar aggregate classification (germline): Uncertain significance (1 of 4 stars; one submission).

Allele frequency attached by ClinVar (database versions not stated): gnomAD 0.00001; gnomAD exomes 0.00001; TOPMed 0.00001; ExAC 0.00002.
gnomAD v4.1: 16 of 1,613,212 alleles (0.00099%); highest among the groups gnomAD compares: South Asian, 0.0033%; 1 homozygote.

Submission:

Labcorp Genetics (formerly Invitae), Labcorp
Classification: Uncertain significance. Last evaluated: 2022-08-24. Review status: criteria provided, single submitter. Criteria: Invitae Variant Classification Sherloc (09022015). Collection method: clinical testing. Allele origin: germline.
Comment: This variant has not been reported in the literature in individuals affected with HMCN1-related conditions. This variant is present in population databases (rs768129329, gnomAD 0.004%). This sequence change replaces arginine, which is basic and polar, with glutamine, which is neutral and polar, at codon 1881 of the HMCN1 protein (p.Arg1881Gln). Algorithms developed to predict the effect of missense changes on protein structure and function are either unavailable or do not agree on the potential impact of this missense change (SIFT: "Deleterious"; PolyPhen-2: "Probably Damaging"; Align-GVGD: "Class C0"). In summary, the available evidence is currently insufficient to determine the role of this variant in disease. Therefore, it has been classified as a Variant of Uncertain Significance.

NM_031935.3(HMCN1):c.5642G>A (p.Arg1881Gln)

Gene: HMCN1 (hemicentin 1; plus strand). Cytogenetic location: 1q31.1.
Variant type: single nucleotide variant.
Coding change: c.5642G>A on transcript NM_031935.3 (MANE Select); coding-DNA position 5642, G replaced by A.
Protein change: p.Arg1881Gln; replaces arginine 1881 with glutamine.
Molecular consequence: missense variant.
Genome position (GRCh38, 1-based): chr1:186,023,046, G>A. VCF-style: chr1-186023046-G-A. GRCh37 (hg19) VCF-style: chr1-185992178-G-A.
Other names: short protein forms R1881Q.
Identifiers: ClinVar variation 1960278 (VCV001960278.5), dbSNP rs768129329, ClinGen allele CA1292328.